The following is an entry in ClinVar:

NM_007294.4(BRCA1):c.2964_2967del (p.Phe989fs)

Gene: BRCA1 (BRCA1 DNA repair associated; minus strand). Cytogenetic location: 17q21.31.
Variant type: Deletion.
Coding change: c.2964_2967del on transcript NM_007294.4 (MANE Select); coding-DNA positions 2964 to 2967, 4 bases deleted (ATTT; older notation c.2964_2967delATTT).
Protein change: p.Phe989fs; shifts the reading frame from phenylalanine 989.
Molecular consequence: frameshift variant. On other transcripts: intron variant (137).
Genome position (GRCh38, 1-based): chr17:43,092,564-43,092,567, AAAT deleted on the plus strand (ATTT on the coding strand, the reverse complement: BRCA1 is on the minus strand). VCF-style (leftmost placement, unchanged base first): chr17-43092563-CAAAT-C. GRCh37 (hg19) VCF-style: chr17-41244580-CAAAT-C.
Other names: c.2751_2754del, p.Phe918fs (NM_001407571.1, NM_001407853.1, NM_001407894.1 and 9 more transcripts); c.2964_2967del, p.Phe989fs (NM_001407581.1, NM_001407582.1, NM_001407583.1 and 30 more transcripts); c.2961_2964del, p.Phe988fs (NM_001407587.1, NM_001407590.1, NM_001407591.1 and 22 more transcripts); c.2955_2958del, p.Phe986fs (NM_001407646.1, NM_001407647.1); c.2841_2844del, p.Phe948fs (NM_001407648.1, NM_001407664.1, NM_001407665.1 and 19 more transcripts); c.2838_2841del, p.Phe947fs (NM_001407649.1, NM_001407670.1, NM_001407671.1 and 11 more transcripts); c.2886_2889del, p.Phe963fs (NM_001407653.1, NM_001407654.1, NM_001407655.1 and 4 more transcripts); c.2883_2886del, p.Phe962fs (NM_001407659.1, NM_001407660.1, NM_001407661.1 and 1 more transcripts); and 41 more; short protein forms F821fs, F862fs, F878fs, F918fs, F922fs, F941fs, F921fs, F942fs.
Identifiers: ClinVar variation 3685963 (VCV003685963.2).

ClinVar aggregate classification (germline): Pathogenic (1 of 4 stars; one submission).

Conditions:
Hereditary breast ovarian cancer syndrome. Also called: Hereditary breast and ovarian cancer syndrome (HBOC); BRCA1- and BRCA2-Associated Hereditary Breast and Ovarian Cancer; Breast and ovarian cancer; Hereditary breast and ovarian cancer; Hereditary breast and ovarian cancer syndrome; Hereditary breast and/or ovarian cancer syndrome. Identifiers: Orphanet 145, MedGen C0677776, MeSH D061325, MONDO:0003582. Disease mechanism: loss of function.

Submission:

Labcorp Genetics (formerly Invitae), Labcorp
Classification: Pathogenic for Hereditary breast ovarian cancer syndrome. Last evaluated: 2024-11-15. Review status: criteria provided, single submitter. Criteria: Invitae Variant Classification Sherloc (09022015). Collection method: clinical testing. Allele origin: germline.
Comment: This sequence change creates a premature translational stop signal (p.Phe989Leufs*10) in the BRCA1 gene. It is expected to result in an absent or disrupted protein product. Loss-of-function variants in BRCA1 are known to be pathogenic (PMID: 20104584). This variant is not present in population databases (gnomAD no frequency). This variant has not been reported in the literature in individuals affected with BRCA1-related conditions. For these reasons, this variant has been classified as Pathogenic.

Literature cited by the submitters: PubMed 20104584.